The following is an entry in ClinVar:

ClinVar aggregate classification (germline): Benign/Likely benign. Review status: criteria provided, multiple submitters, no conflicts (2 of 4 stars). 5 submissions from 5 submitters: Benign (1); Likely benign (3). 1 of the submissions does not count toward it. Last evaluated 2026-01-21.

Conditions:
Combined immunodeficiency with skin granulomas. Identifiers: Orphanet 157949, MedGen C2673536, MONDO:0009306, OMIM 233650.
Severe combined immunodeficiency, autosomal recessive, T cell-negative, B cell-negative, NK cell-positive. Also called: SCID, AR, T-cell negative, B-cell negative, NK cell-positive; SCID, T CELL-NEGATIVE, B CELL-NEGATIVE, NK CELL-POSITIVE; Severe combined immunodeficiency due to complete RAG1/2 deficiency. Identifiers: Orphanet 331206, MedGen C1832322, MONDO:0011086, OMIM 601457.
RAG1-related disorder. Also called: RAG1-related condition; RAG1-related disorders.

Allele frequency attached by ClinVar (database versions not stated): gnomAD exomes 0.00016 and 0.00042; 1000 Genomes Project 0.00020; 1000 Genomes Project 30x 0.00031; ExAC 0.00047; gnomAD 0.00154 and 0.00167; ESP Exome Variant Server 0.00169; TOPMed 0.00188.
gnomAD v4.1: 470 of 1,614,220 alleles (0.029%); highest among the groups gnomAD compares: African/African-American, 0.59%; 1 homozygote.

Submissions (5):

Labcorp Genetics (formerly Invitae), Labcorp
Classification: Benign for Combined immunodeficiency with skin granulomas; Severe combined immunodeficiency, autosomal recessive, T cell-negative, B cell-negative, NK cell-positive. Last evaluated: 2026-01-21. Review status: criteria provided, single submitter. Criteria: Invitae Variant Classification Sherloc (09022015). Collection method: clinical testing. Allele origin: germline.

Mayo Clinic Laboratories, Mayo Clinic
Classification: Likely benign. Last evaluated: 2024-10-08. Review status: criteria provided, single submitter. Criteria: ACMG Guidelines, 2015. Collection method: clinical testing. Allele origin: germline. Observed: 3 variant alleles.

Blueprint Genetics
Classification: Likely benign. Last evaluated: 2023-10-30. Review status: criteria provided, single submitter. Criteria: ACMG Guidelines, 2015. Collection method: clinical testing. Allele origin: germline.

GeneDx
Classification: Likely benign. Last evaluated: 2019-01-24. Review status: criteria provided, single submitter. Criteria: GeneDx Variant Classification Process June 2021. Collection method: clinical testing. Allele origin: germline. Affected: yes.

PreventionGenetics, part of Exact Sciences
Classification: Likely benign for RAG1-related condition. Last evaluated: 2019-10-28. Review status: no assertion criteria provided. Collection method: clinical testing. Allele origin: germline. Not counted in ClinVar's aggregate classification.
Comment: This variant is classified as likely benign based on ACMG/AMP sequence variant interpretation guidelines (Richards et al. 2015 PMID: 25741868, with internal and published modifications).

NM_000448.3(RAG1):c.2451A>G (p.Glu817=)

Gene: RAG1 (recombination activating 1; plus strand). Cytogenetic location: 11p12.
Variant type: single nucleotide variant.
Coding change: c.2451A>G on transcript NM_000448.3 (MANE Select); coding-DNA position 2451, A replaced by G.
Protein change: p.Glu817=; no amino-acid change (glutamic acid 817 retained).
Molecular consequence: synonymous variant.
Genome position (GRCh38, 1-based): chr11:36,575,755, A>G. VCF-style: chr11-36575755-A-G. GRCh37 (hg19) VCF-style: chr11-36597305-A-G.
Other names: p.Glu817=; c.2451A>G, p.Glu817= (NM_001377277.1, NM_001377278.1, NM_001377279.1 and 1 more transcripts).
Identifiers: ClinVar variation 536964 (VCV000536964.18), dbSNP rs61758791, ClinGen allele CA5950264.